The following is an entry in ClinVar:

ClinVar aggregate classification (germline): Uncertain significance (1 of 4 stars; one submission).

Conditions:
Cardiomyopathy (CMYO). Also called: Cardiomyopathies. Identifiers: Orphanet 167848, MedGen C0878544, MONDO:0004994, HP:0001638. Inheritance: Various modes of inheritance.

Submission:

All of Us Research Program, National Institutes of Health
Classification: Uncertain significance for Cardiomyopathy. Last evaluated: 2023-05-16. Review status: criteria provided, single submitter. Criteria: ACMG Guidelines, 2015. Collection method: clinical testing. Allele origin: germline. Inheritance: Autosomal dominant inheritance. Observed: 1 variant allele, 1 heterozygote.
Comment: This missense variant replaces isoleucine with valine at codon 569 of the MYH7 protein. Computational prediction suggests that this variant may not impact protein structure and function (internally defined REVEL score threshold <= 0.5, PMID: 27666373). To our knowledge, functional studies have not been reported for this variant. This variant has not been reported in individuals affected with MYH7-related disorders in the literature. This variant has not been identified in the general population by the Genome Aggregation Database (gnomAD). The available evidence is insufficient to determine the role of this variant in disease conclusively. Therefore, this variant is classified as a Variant of Uncertain Significance.

This study involves interpretation of variants in research participants for the purpose of population health screening. Participant phenotype was not available at the time of variant classification. Additional details can be found in publication PMID: 35346344, PMCID: PMC8962531

NM_000257.4(MYH7):c.1705A>G (p.Ile569Val)

Gene: MYH7 (myosin heavy chain 7; minus strand). Cytogenetic location: 14q11.2.
Variant type: single nucleotide variant.
Coding change: c.1705A>G on transcript NM_000257.4 (MANE Select); coding-DNA position 1705, A replaced by G.
Protein change: p.Ile569Val; replaces isoleucine 569 with valine.
Molecular consequence: missense variant.
Genome position (GRCh38, 1-based): chr14:23,427,768, T>C on the plus strand (A>G on the coding strand, the complement: MYH7 is on the minus strand). VCF-style: chr14-23427768-T-C. GRCh37 (hg19) VCF-style: chr14-23896977-T-C.
Other names: c.1705A>G, p.Ile569Val (NM_001407004.1); short protein forms I569V.
Identifiers: ClinVar variation 3071016 (VCV003071016.1), dbSNP rs2502297141, ClinGen allele CA389049993.